The following is an entry in ClinVar:

ClinVar aggregate classification (germline): Likely benign (1 of 4 stars; one submission).

Allele frequency attached by ClinVar (database versions not stated): gnomAD 0.00001; TOPMed 0.00001.
gnomAD v4.1: 4 of 1,596,382 alleles (0.00025%); highest among the groups gnomAD compares: African/African-American, 0.0013%; no homozygotes.

Submission:

GeneDx
Classification: Likely benign. Last evaluated: 2018-04-12. Review status: criteria provided, single submitter. Criteria: GeneDx Variant Classification (06012015). Collection method: clinical testing. Allele origin: germline. Affected: yes.
Comment: This variant is considered likely benign or benign based on one or more of the following criteria: it is a conservative change, it occurs at a poorly conserved position in the protein, it is predicted to be benign by multiple in silico algorithms, and/or has population frequency not consistent with disease.

NM_004415.4(DSP):c.-32G>T

Genes: DSP (desmoplakin; plus strand), DSP-AS1 (DSP antisense RNA 1; minus strand). Cytogenetic location: 6p24.3.
Variant type: single nucleotide variant.
Coding change: c.-32G>T on transcript NM_004415.4 (MANE Select); 32 bases upstream of the start codon, G replaced by T.
Molecular consequence: 5 prime UTR variant.
Genome position (GRCh38, 1-based): chr6:7,541,884, G>T. VCF-style: chr6-7541884-G-T. GRCh37 (hg19) VCF-style: chr6-7542117-G-T.
Other names: c.-32G>T (NM_001008844.3, NM_001319034.2).
Identifiers: ClinVar variation 681790 (VCV000681790.1), dbSNP rs1342207753, ClinGen allele CA828085754.